The following is an entry in ClinVar:

NM_031263.4(HNRNPK):c.1092+7T>A

Gene: HNRNPK (heterogeneous nuclear ribonucleoprotein K; minus strand). Cytogenetic location: 9q21.32.
Variant type: single nucleotide variant.
Coding change: c.1092+7T>A on transcript NM_031263.4 (MANE Select); 7 bases into the intron after coding-DNA position 1092, T replaced by A.
Molecular consequence: intron variant.
Genome position (GRCh38, 1-based): chr9:83,971,266, A>T on the plus strand (T>A on the coding strand, the complement: HNRNPK is on the minus strand). VCF-style: chr9-83971266-A-T. GRCh37 (hg19) VCF-style: chr9-86586181-A-T.
Other names: c.1092+7T>A (NM_031262.4, NM_002140.5, NM_001318188.2); c.1020+7T>A (NM_001318186.2, NM_001318187.2).
Identifiers: ClinVar variation 4754778 (VCV004754778.1).

ClinVar aggregate classification (germline): Uncertain significance (1 of 4 stars; one submission).

Submission:

Labcorp Genetics (formerly Invitae), Labcorp
Classification: Uncertain significance. Last evaluated: 2025-10-17. Review status: criteria provided, single submitter. Criteria: Invitae Variant Classification Sherloc (09022015). Collection method: clinical testing. Allele origin: germline.
Comment: This sequence change falls in intron 13 of the HNRNPK gene. It does not directly change the encoded amino acid sequence of the HNRNPK protein. This variant is not present in population databases (gnomAD no frequency). This variant has not been reported in the literature in individuals affected with HNRNPK-related conditions. Algorithms developed to predict the effect of sequence changes on RNA splicing suggest that this variant may disrupt the consensus splice site. In summary, the available evidence is currently insufficient to determine the role of this variant in disease. Therefore, it has been classified as a Variant of Uncertain Significance.